The following is an entry in ClinVar:

NM_001379500.1(COL18A1):c.2179G>C (p.Gly727Arg)

Gene: COL18A1 (collagen type XVIII alpha 1 chain; plus strand). Cytogenetic location: 21q22.3.
Variant type: single nucleotide variant.
Coding change: c.2179G>C on transcript NM_001379500.1 (MANE Select); coding-DNA position 2179, G replaced by C.
Protein change: p.Gly727Arg; replaces glycine 727 with arginine.
Molecular consequence: missense variant.
Genome position (GRCh38, 1-based): chr21:45,492,556, G>C. VCF-style: chr21-45492556-G-C. GRCh37 (hg19) VCF-style: chr21-46912470-G-C.
Other names: c.2719G>C, p.Gly907Arg (NM_030582.4); c.3424G>C, p.Gly1142Arg (NM_130444.3); short protein forms G907R, G1142R, G727R.
Identifiers: ClinVar variation 2066329 (VCV002066329.2), dbSNP rs757222933, ClinGen allele CA10066875.

ClinVar aggregate classification (germline): Uncertain significance (1 of 4 stars; one submission).

Allele frequency attached by ClinVar (database versions not stated): ExAC 0.00001; gnomAD exomes 0.00001; TOPMed 0.00002; gnomAD 0.00003.
gnomAD v4.1: 21 of 1,613,084 alleles (0.0013%); highest among the groups gnomAD compares: Non-Finnish European, 0.0017%; no homozygotes.

Submission:

Labcorp Genetics (formerly Invitae), Labcorp
Classification: Uncertain significance. Last evaluated: 2023-12-18. Review status: criteria provided, single submitter. Criteria: Invitae Variant Classification Sherloc (09022015). Collection method: clinical testing. Allele origin: germline.
Comment: This sequence change replaces glycine, which is neutral and non-polar, with arginine, which is basic and polar, at codon 727 of the COL18A1 protein (p.Gly727Arg). This variant is present in population databases (rs757222933, gnomAD 0.0009%). This variant has not been reported in the literature in individuals affected with COL18A1-related conditions. ClinVar contains an entry for this variant (Variation ID: 2066329). Experimental studies and prediction algorithms are not available or were not evaluated, and the functional significance of this variant is currently unknown. In summary, the available evidence is currently insufficient to determine the role of this variant in disease. Therefore, it has been classified as a Variant of Uncertain Significance.